The following is an entry in ClinVar:

NM_020631.6(PLEKHG5):c.484A>G (p.Lys162Glu)

Gene: PLEKHG5 (pleckstrin homology and RhoGEF domain containing G5; minus strand). Cytogenetic location: 1p36.31.
Variant type: single nucleotide variant.
Coding change: c.484A>G on transcript NM_020631.6 (MANE Select); coding-DNA position 484, A replaced by G.
Protein change: p.Lys162Glu; replaces lysine 162 with glutamic acid.
Molecular consequence: missense variant.
Genome position (GRCh38, 1-based): chr1:6,474,120, T>C on the plus strand (A>G on the coding strand, the complement: PLEKHG5 is on the minus strand). VCF-style: chr1-6474120-T-C. GRCh37 (hg19) VCF-style: chr1-6534180-T-C.
Other names: c.484A>G, p.Lys162Glu (NM_198681.4, NM_001042664.2, NM_001042665.2 and 1 more transcripts); c.595A>G, p.Lys199Glu (NM_001042663.3, NM_001265592.2); c.691A>G, p.Lys231Glu (NM_001265593.2); short protein forms K199E, K231E, K162E.
Identifiers: ClinVar variation 1515617 (VCV001515617.6), dbSNP rs1644685170, ClinGen allele CA338138789.

ClinVar aggregate classification (germline): Uncertain significance. Review status: criteria provided, multiple submitters, no conflicts (2 of 4 stars). 2 submissions from 2 submitters: Uncertain significance (2). Last evaluated 2022-06-21.

Conditions:
Charcot-Marie-Tooth disease recessive intermediate C. Also called: CHARCOT-MARIE-TOOTH NEUROPATHY, RECESSIVE INTERMEDIATE C. Identifiers: Orphanet 369867, MedGen C3809309, MONDO:0014154, OMIM 615376.
Neuronopathy, distal hereditary motor, autosomal recessive 4. Also called: NEUROPATHY, DISTAL HEREDITARY MOTOR, AUTOSOMAL RECESSIVE 4; Autosomal recessive lower motor neuron disease with childhood onset. Identifiers: Orphanet 206580, MedGen C1970211, MONDO:0012608, OMIM 611067.
Inborn genetic diseases. Identifiers: MedGen C0950123, MeSH D030342.

Allele frequency attached by ClinVar (database versions not stated): gnomAD exomes below 0.00001; gnomAD 0.00001.
gnomAD v4.1: 3 of 1,613,394 alleles (0.00019%); highest among the groups gnomAD compares: African/African-American, 0.0013%; no homozygotes.

Submissions (2):

Ambry Genetics
Classification: Uncertain significance for Inborn genetic diseases. Last evaluated: 2022-06-21. Review status: criteria provided, single submitter. Criteria: Ambry Variant Classification Scheme 2023. Collection method: clinical testing. Allele origin: germline.

Labcorp Genetics (formerly Invitae), Labcorp
Classification: Uncertain significance for Neuronopathy, distal hereditary motor, autosomal recessive 4; Charcot-Marie-Tooth disease recessive intermediate C. Last evaluated: 2021-08-30. Review status: criteria provided, single submitter. Criteria: Invitae Variant Classification Sherloc (09022015). Collection method: clinical testing. Allele origin: germline.
Comment: This sequence change replaces lysine with glutamic acid at codon 162 of the PLEKHG5 protein (p.Lys162Glu). The lysine residue is moderately conserved and there is a small physicochemical difference between lysine and glutamic acid. This variant is not present in population databases (ExAC no frequency). This variant has not been reported in the literature in individuals affected with PLEKHG5-related conditions. Algorithms developed to predict the effect of missense changes on protein structure and function are either unavailable or do not agree on the potential impact of this missense change (SIFT: "Tolerated"; PolyPhen-2: "Possibly Damaging"; Align-GVGD: "Class C0"). In summary, the available evidence is currently insufficient to determine the role of this variant in disease. Therefore, it has been classified as a Variant of Uncertain Significance.